The following is an entry in ClinVar:

ClinVar aggregate classification (germline): Uncertain significance (1 of 4 stars; one submission).

Conditions:
Breast-ovarian cancer, familial, susceptibility to, 4. Identifiers: Orphanet 145, MedGen C3280345, MONDO:0013669, OMIM 614291.

Allele frequency attached by ClinVar (database versions not stated): gnomAD exomes below 0.00001.
gnomAD v4.1: 1 of 1,611,206 alleles (0.000062%); highest among the groups gnomAD compares: Non-Finnish European, 0.000085%; no homozygotes.

Submission:

Labcorp Genetics (formerly Invitae), Labcorp
Classification: Uncertain significance for Breast-ovarian cancer, familial, susceptibility to, 4. Last evaluated: 2022-08-17. Review status: criteria provided, single submitter. Criteria: Invitae Variant Classification Sherloc (09022015). Collection method: clinical testing. Allele origin: germline.
Comment: In summary, the available evidence is currently insufficient to determine the role of this variant in disease. Therefore, it has been classified as a Variant of Uncertain Significance. Variants that disrupt the consensus splice site are a relatively common cause of aberrant splicing (PMID: 17576681, 9536098). Algorithms developed to predict the effect of sequence changes on RNA splicing suggest that this variant is not likely to affect RNA splicing. This variant has not been reported in the literature in individuals affected with RAD51D-related conditions. This variant is not present in population databases (gnomAD no frequency). This sequence change falls in intron 6 of the RAD51D gene. It does not directly change the encoded amino acid sequence of the RAD51D protein. It affects a nucleotide within the consensus splice site.

Literature cited by the submitters: PubMed 17576681; PubMed 9536098.

NM_002878.4(RAD51D):c.576+3G>T

Genes: RAD51D (RAD51 paralog D; minus strand), RAD51L3-RFFL (RAD51L3-RFFL readthrough; minus strand). Cytogenetic location: 17q12.
Variant type: single nucleotide variant.
Coding change: c.576+3G>T on transcript NM_002878.4 (MANE Select); 3 bases into the intron after coding-DNA position 576, G replaced by T.
Molecular consequence: intron variant.
Genome position (GRCh38, 1-based): chr17:35,106,383, C>A on the plus strand (G>T on the coding strand, the complement: RAD51D is on the minus strand). VCF-style: chr17-35106383-C-A. GRCh37 (hg19) VCF-style: chr17-33433402-C-A.
Other names: c.240+3G>T (NM_133629.3); c.636+3G>T (NM_001142571.2).
Identifiers: ClinVar variation 2023593 (VCV002023593.4), dbSNP rs2142428750, ClinGen allele CA2580093479.